The following is an entry in ClinVar:

ClinVar aggregate classification (germline): Likely benign (0 of 4 stars; one submission).

Conditions:
CYP7A1-related disorder. Also called: CYP7A1-related condition.

Allele frequency attached by ClinVar (database versions not stated): gnomAD exomes below 0.00001; TOPMed below 0.00001.
gnomAD v4.1: 1 of 1,614,218 alleles (0.000062%); highest among the groups gnomAD compares: Non-Finnish European, 0.000085%; no homozygotes.

Submission:

PreventionGenetics, part of Exact Sciences
Classification: Likely benign for CYP7A1-related condition. Last evaluated: 2021-10-04. Review status: no assertion criteria provided. Collection method: clinical testing. Allele origin: germline.
Comment: This variant is classified as likely benign based on ACMG/AMP sequence variant interpretation guidelines (Richards et al. 2015 PMID: 25741868, with internal and published modifications).

NM_000780.4(CYP7A1):c.849C>T (p.Leu283=)

Gene: CYP7A1 (cytochrome P450 family 7 subfamily A member 1; minus strand). Cytogenetic location: 8q12.1.
Variant type: single nucleotide variant.
Coding change: c.849C>T on transcript NM_000780.4 (MANE Select); coding-DNA position 849, C replaced by T.
Protein change: p.Leu283=; no amino-acid change (leucine 283 retained).
Molecular consequence: synonymous variant.
Genome position (GRCh38, 1-based): chr8:58,496,663, G>A on the plus strand (C>T on the coding strand, the complement: CYP7A1 is on the minus strand). VCF-style: chr8-58496663-G-A. GRCh37 (hg19) VCF-style: chr8-59409222-G-A.
Identifiers: ClinVar variation 3057902 (VCV003057902.2), dbSNP rs1809446315, ClinGen allele CA461102805.